The following is an entry in ClinVar:

NM_005045.4(RELN):c.7949A>G (p.Gln2650Arg)

Gene: RELN (reelin; minus strand). Cytogenetic location: 7q22.1.
Variant type: single nucleotide variant.
Coding change: c.7949A>G on transcript NM_005045.4 (MANE Select); coding-DNA position 7949, A replaced by G.
Protein change: p.Gln2650Arg; replaces glutamine 2650 with arginine.
Molecular consequence: missense variant.
Genome position (GRCh38, 1-based): chr7:103,515,355, T>C on the plus strand (A>G on the coding strand, the complement: RELN is on the minus strand). VCF-style: chr7-103515355-T-C. GRCh37 (hg19) VCF-style: chr7-103155802-T-C.
Other names: c.7949A>G, p.Gln2650Arg (NM_173054.3); short protein forms Q2650R.
Identifiers: ClinVar variation 1716060 (VCV001716060.5), dbSNP rs2484741101, ClinGen allele CA368763310.

ClinVar aggregate classification (germline): Uncertain significance (1 of 4 stars; one submission).

Conditions:
Familial temporal lobe epilepsy 7. Identifiers: Orphanet 101046, MedGen C4225327, MONDO:0014639, OMIM 616436.
Norman-Roberts syndrome (LIS2). Also called: Lissencephaly 2 (Norman-Roberts type). Identifiers: Orphanet 89844, MedGen C0796089, MONDO:0009760, OMIM 257320.

Submission:

Labcorp Genetics (formerly Invitae), Labcorp
Classification: Uncertain significance for Familial temporal lobe epilepsy 7; Norman-Roberts syndrome. Last evaluated: 2025-10-02. Review status: criteria provided, single submitter. Criteria: Invitae Variant Classification Sherloc (09022015). Collection method: clinical testing. Allele origin: germline.
Comment: This sequence change replaces glutamine, which is neutral and polar, with arginine, which is basic and polar, at codon 2650 of the RELN protein (p.Gln2650Arg). This variant is not present in population databases (gnomAD no frequency). This variant has not been reported in the literature in individuals affected with RELN-related conditions. ClinVar contains an entry for this variant (Variation ID: 1716060). Invitae Evidence Modeling of protein sequence and biophysical properties (such as structural, functional, and spatial information, amino acid conservation, physicochemical variation, residue mobility, and thermodynamic stability) indicates that this missense variant is not expected to disrupt RELN protein function with a negative predictive value of 80%. In summary, the available evidence is currently insufficient to determine the role of this variant in disease. Therefore, it has been classified as a Variant of Uncertain Significance.